The following is an entry in ClinVar:

ClinVar aggregate classification (germline): Uncertain significance (1 of 4 stars; one submission).

Conditions:
Hereditary cancer-predisposing syndrome. Also called: Tumor predisposition; Hereditary Cancer Syndrome; Hereditary neoplastic syndrome; Neoplastic Syndromes, Hereditary. Identifiers: Orphanet 140162, MedGen C0027672, MeSH D009386, MONDO:0015356.

Submission:

Ambry Genetics
Classification: Uncertain significance for Hereditary cancer-predisposing syndrome. Last evaluated: 2024-02-05. Review status: criteria provided, single submitter. Criteria: Ambry Variant Classification Scheme 2023. Collection method: clinical testing. Allele origin: germline.
Comment: The c.6975+5_6975+7delGTT intronic variant, located in intron 46 of the ATM gene, results from a deletion of 3 nucleotides within intron 46 of the ATM gene. This nucleotide region is not well conserved in available vertebrate species. In silico splice site analysis predicts that this alteration will weaken the native splice donor site. Based on the available evidence, the clinical significance of this alteration remains unclear.

NM_000051.4(ATM):c.6975+5_6975+7del

Genes: ATM (ATM serine/threonine kinase; plus strand), C11orf65 (chromosome 11 open reading frame 65; minus strand). Cytogenetic location: 11q22.3.
Variant type: Deletion.
Coding change: c.6975+5_6975+7del on transcript NM_000051.4 (MANE Select); bases 5 to 7 of the intron after coding-DNA position 6975, 3 bases deleted (GTT; older notation c.6975+5_6975+7delGTT).
Molecular consequence: intron variant.
Genome position (GRCh38, 1-based): chr11:108,326,230-108,326,232, GTT deleted; deleting any 3 consecutive bases within chr11:108,326,228-108,326,232 gives the same sequence; the c. name uses the placement nearest the transcript's 3' end. VCF-style (leftmost placement, unchanged base first): chr11-108326227-TTTG-T. GRCh37 (hg19) VCF-style: chr11-108196954-TTTG-T.
Other names: c.6975+5_6975+7del (NM_001351834.2); c.641-17159_641-17157del (NM_001330368.2); c.*38+8990_*38+8992del (NM_001351110.2).
Identifiers: ClinVar variation 3222680 (VCV003222680.1), dbSNP rs2547219275, ClinGen allele CA2825001939.
Genomic context (GRCh38, chr11:108,326,227, plus strand): 5'-GTCTTGCCCTGAGTATTCTCAAGCAAATGATCAAGAAGTTGGATGCCAGCTGTGCAGCGG[TTTG>T]TTTTTTTTATTGGCTGGATTAGTGTTTTACTGTTATTTAAAAAAACACAAATGTACTTTA-3'